The following is an entry in ClinVar:

ClinVar aggregate classification (germline): Uncertain significance (1 of 4 stars; one submission).

Conditions:
Hereditary cancer-predisposing syndrome. Also called: Hereditary Cancer Syndrome; Hereditary neoplastic syndrome; Tumor predisposition; Neoplastic Syndromes, Hereditary. Identifiers: Orphanet 140162, MedGen C0027672, MeSH D009386, MONDO:0015356.

Submission:

Ambry Genetics
Classification: Uncertain significance for Hereditary cancer-predisposing syndrome. Last evaluated: 2025-09-25. Review status: criteria provided, single submitter. Criteria: Ambry Variant Classification Scheme 2023. Collection method: clinical testing. Allele origin: germline.
Comment: The p.S8T variant (also known as c.22T>A), located in coding exon 1 of the SDHAF2 gene, results from a T to A substitution at nucleotide position 22. The serine at codon 8 is replaced by threonine, an amino acid with similar properties. This amino acid position is conserved. In addition, this alteration is predicted to be tolerated by in silico analysis. Since supporting evidence is limited at this time, the clinical significance of this alteration remains unclear.

NM_017841.4(SDHAF2):c.22T>A (p.Ser8Thr)

Gene: SDHAF2 (succinate dehydrogenase complex assembly factor 2; plus strand). Cytogenetic location: 11q12.2.
Variant type: single nucleotide variant.
Coding change: c.22T>A on transcript NM_017841.4 (MANE Select); coding-DNA position 22, T replaced by A.
Protein change: p.Ser8Thr; replaces serine 8 with threonine.
Molecular consequence: missense variant.
Genome position (GRCh38, 1-based): chr11:61,430,168, T>A. VCF-style: chr11-61430168-T-A. GRCh37 (hg19) VCF-style: chr11-61197640-T-A.
Other names: short protein forms S8T.
Identifiers: ClinVar variation 1789273 (VCV001789273.3), dbSNP rs2540110958, ClinGen allele CA380680179.